The following is an entry in ClinVar:

NM_033360.4(KRAS):c.389C>T (p.Ala130Val)

Gene: KRAS (KRas proto-oncogene, GTPase; minus strand). Cytogenetic location: 12p12.1.
Variant type: single nucleotide variant.
Coding change: c.389C>T on transcript NM_033360.4 (MANE Plus Clinical); coding-DNA position 389, C replaced by T.
Protein change: p.Ala130Val; replaces alanine 130 with valine.
Molecular consequence: missense variant.
Genome position (GRCh38, 1-based): chr12:25,225,675, G>A on the plus strand (C>T on the coding strand, the complement: KRAS is on the minus strand). VCF-style: chr12-25225675-G-A. GRCh37 (hg19) VCF-style: chr12-25378609-G-A.
Other names: p.A130V:GCT>GTT; c.389C>T, p.Ala130Val (NM_001369786.1, NM_001369787.1, NM_004985.5 and 2 more transcripts); short protein forms A130V.
Identifiers: ClinVar variation 180861 (VCV000180861.18), dbSNP rs730880473, ClinGen allele CA296095.

ClinVar aggregate classification (germline): Uncertain significance. Review status: criteria provided, multiple submitters, no conflicts (2 of 4 stars). 4 submissions from 4 submitters: Uncertain significance (4). Last evaluated 2025-09-10.

Conditions:
Noonan syndrome 3 (NS3). Also called: KRAS-Related Noonan Syndrome. Identifiers: Orphanet 648, MedGen C1860991, MONDO:0012371, OMIM 609942.
Autoimmune lymphoproliferative syndrome type 4. Also called: AUTOIMMUNE LYMPHOPROLIFERATIVE SYNDROME, TYPE IV; RAS-associated autoimmune leukoproliferative disorder. Identifiers: Orphanet 268114, MedGen C2674723, MONDO:0013767, OMIM 614470.
Linear nevus sebaceous syndrome. Also called: JADASSOHN NEVUS PHAKOMATOSIS; NEVUS SEBACEUS OF JADASSOHN; ORGANOID NEVUS PHAKOMATOSIS; SFM SYNDROME; Nevus, Sebaceous of Jadassohn; SCHIMMELPENNING-FEUERSTEIN-MIMS SYNDROME, SOMATIC MOSAIC. Identifiers: Orphanet 2612, MedGen C4552097, MONDO:0008097, OMIM 163200, HP:0010817.
Cerebral arteriovenous malformation (BAVM). Also called: Arteriovenous malformations of the brain; CEREBRAL ARTERIOVENOUS MALFORMATIONS. Identifiers: Orphanet 46724, MedGen C0917804, MONDO:0007154, OMIM 108010, HP:0002408.
Toriello-Lacassie-Droste syndrome. Identifiers: Orphanet 3339, MedGen C1838329, MONDO:0010854, OMIM 600268.
Malignant tumor of urinary bladder. Also called: Bladder cancer; Urinary Bladder Neoplasms; Urinary bladder cancer. Identifiers: MedGen C0005684, MONDO:0001187, OMIM 109800.
Lung cancer. Also called: Lung cancer, somatic; Malignant tumor of lung. Identifiers: MedGen C0242379, MONDO:0008903, OMIM 211980.
Cardiofaciocutaneous syndrome 2 (CFC2). Also called: KRAS-Related Cardiofaciocutaneous Syndrome. Identifiers: Orphanet 1340, MedGen C3809005, MONDO:0014112, OMIM 615278.
Familial cancer of breast. Also called: hereditary breast carcinoma; BREAST CANCER, FAMILIAL; Hereditary breast cancer. Identifiers: Orphanet 227535, MedGen C0346153, MONDO:0016419, OMIM 114480. Disease mechanism: loss of function.
Acute myeloid leukemia (AML). Also called: Acute myeloid leukemia, adult; AML adult; Acute non-lymphocytic leukemia; Acute granulocytic leukemia; Leukemia, acute myeloid, somatic; Leukemia, acute myelogenous, somatic. Identifiers: Orphanet 519, MedGen C0023467, MeSH D015470, MONDO:0018874, OMIM 601626, HP:0004808. Disease mechanism: Constitutively activated FLT3.
Gastric cancer. Also called: Stomach cancer; Malignant tumor of stomach. Identifiers: MedGen C0024623, MeSH D013274, MONDO:0001056, OMIM 613659, HP:0012126.
Carcinoma of pancreas. Also called: PANCREATIC ACINAR CARCINOMA; PANCREATIC CARCINOMA; Pancreatic cancer, somatic; Pancreatic carcinoma, somatic; Exocrine pancreatic carcinoma. Identifiers: Orphanet 1333, Orphanet 217074, MedGen C0235974, MONDO:0005192. Disease mechanism: loss of function.
RASopathy. Also called: rasopathies; Noonan spectrum disorder. Identifiers: Orphanet 536391, MedGen C5555857, MONDO:0021060.

Allele frequency attached by ClinVar (database versions not stated): TOPMed below 0.00001; gnomAD 0.00001; ExAC 0.00002; gnomAD exomes 0.00002 and 0.00003.
gnomAD v4.1: 41 of 1,613,116 alleles (0.0025%); highest among the groups gnomAD compares: Non-Finnish European, 0.0035%; no homozygotes.

Submissions (4):

Labcorp Genetics (formerly Invitae), Labcorp
Classification: Uncertain significance for RASopathy. Last evaluated: 2025-09-10. Review status: criteria provided, single submitter. Criteria: Invitae Variant Classification Sherloc (09022015). Collection method: clinical testing. Allele origin: germline.
Comment: This sequence change replaces alanine, which is neutral and non-polar, with valine, which is neutral and non-polar, at codon 130 of the KRAS protein (p.Ala130Val). This variant is present in population databases (rs730880473, gnomAD 0.004%). This variant has not been reported in the literature in individuals affected with KRAS-related conditions. ClinVar contains an entry for this variant (Variation ID: 180861). Invitae Evidence Modeling of protein sequence and biophysical properties (such as structural, functional, and spatial information, amino acid conservation, physicochemical variation, residue mobility, and thermodynamic stability) indicates that this missense variant is expected to disrupt KRAS protein function with a positive predictive value of 95%. In summary, the available evidence is currently insufficient to determine the role of this variant in disease. Therefore, it has been classified as a Variant of Uncertain Significance.

Fulgent Genetics
Classification: Uncertain significance for Cerebral arteriovenous malformation; Malignant tumor of urinary bladder; Familial cancer of breast; Linear nevus sebaceous syndrome; Lung cancer; Familial pancreatic carcinoma; Toriello-Lacassie-Droste syndrome; Acute myeloid leukemia; Noonan syndrome 3; Gastric cancer; Autoimmune lymphoproliferative syndrome type 4; Cardiofaciocutaneous syndrome 2. Last evaluated: 2022-05-19. Review status: criteria provided, single submitter. Criteria: ACMG Guidelines, 2015. Collection method: clinical testing. Allele origin: unknown.

Women's Health and Genetics/Laboratory Corporation of America, LabCorp
Classification: Uncertain significance. Last evaluated: 2020-12-21. Review status: criteria provided, single submitter. Criteria: LabCorp Variant Classification Summary - May 2015. Collection method: clinical testing. Allele origin: germline.
Comment: Variant summary: KRAS c.389C>T (p.Ala130Val) results in a non-conservative amino acid change located in the Small GTP-binding protein domain (IPR005225) of the encoded protein sequence. Three of five in-silico tools predict a benign effect of the variant on protein function. The variant allele was found at a frequency of 2e-05 in 251168 control chromosomes (gnomAD). The available data on variant occurrences in the general population are insufficient to allow any conclusion about variant significance. To our knowledge, no occurrence of c.389C>T in individuals affected with Noonan Syndrome and no experimental evidence demonstrating its impact on protein function have been reported. Two ClinVar submitters (evaluation after 2014) cite the variant as uncertain significance. Based on the evidence outlined above, the variant was classified as uncertain significance.

GeneDx
Classification: Uncertain significance. Last evaluated: 2020-05-18. Review status: criteria provided, single submitter. Criteria: GeneDx Variant Classification Process June 2021. Collection method: clinical testing. Allele origin: germline. Affected: yes.
Comment: Has not been previously published as pathogenic or benign to our knowledge; In silico analysis supports that this missense variant does not alter protein structure/function; Benign missense variants in this gene are rare (Stenson et al., 2014); This variant is associated with the following publications: (PMID: 28424201)

Literature cited by the submitters: PubMed 31117243 (cited by Women's Health and Genetics/Laboratory Corporation of America, LabCorp).